The following is an entry in ClinVar:

NC_000009.11:g.(?_139981452)_(139983477_?)del

Gene: MAN1B1 (mannosidase alpha class 1B member 1; plus strand). Cytogenetic location: 9q34.3.
Variant type: Deletion.
Identifiers: ClinVar variation 1458149 (VCV001458149.6).

ClinVar aggregate classification (germline): Pathogenic (1 of 4 stars; one submission).

Conditions:
Rafiq syndrome (RAFQS). Identifiers: Orphanet 88616, MedGen C3280127, MONDO:0013624, OMIM 614202.

Submission:

Labcorp Genetics (formerly Invitae), Labcorp
Classification: Pathogenic for Rafiq syndrome. Last evaluated: 2021-10-12. Review status: criteria provided, single submitter. Criteria: Invitae Variant Classification Sherloc (09022015). Collection method: clinical testing. Allele origin: germline.
Comment: For these reasons, this variant has been classified as Pathogenic. This variant has not been reported in the literature in individuals affected with MAN1B1-related conditions. This variant is a gross deletion of the genomic region encompassing exon(s) 1-3 of the MAN1B1 gene, which includes the initiator codon. This deletion extends beyond the assayed region for this gene and therefore may encompass additional genes. It is expected to result in an absent or disrupted protein product. Loss-of-function variants in MAN1B1 are known to be pathogenic (PMID: 24566669).

Literature cited by the submitters: PubMed 24566669.